The following is an entry in ClinVar:

NM_001972.4(ELANE):c.612C>A (p.Ser204Arg)

Gene: ELANE (elastase, neutrophil expressed; plus strand). Cytogenetic location: 19p13.3.
Variant type: single nucleotide variant.
Coding change: c.612C>A on transcript NM_001972.4 (MANE Select); coding-DNA position 612, C replaced by A.
Protein change: p.Ser204Arg; replaces serine 204 with arginine.
Molecular consequence: missense variant.
Genome position (GRCh38, 1-based): chr19:855,972, C>A. VCF-style: chr19-855972-C-A. GRCh37 (hg19) VCF-style: chr19-855972-C-A.
Other names: short protein forms S204R.
Identifiers: ClinVar variation 2635700 (VCV002635700.2), dbSNP rs769821271, ClinGen allele CA402918894.

ClinVar aggregate classification (germline): Uncertain significance. Review status: criteria provided, multiple submitters, no conflicts (2 of 4 stars). 2 submissions from 2 submitters: Uncertain significance (2). Last evaluated 2025-02-18.

Conditions:
Inborn genetic diseases. Identifiers: MedGen C0950123, MeSH D030342.
ELANE-related disorder. Also called: ELANE-related condition.

Allele frequency attached by ClinVar (database versions not stated): TOPMed below 0.00001.
gnomAD v4.1: 1 of 1,613,266 alleles (0.000062%); highest among the groups gnomAD compares: Non-Finnish European, 0.000085%; no homozygotes.

Submissions (2):

Ambry Genetics
Classification: Uncertain significance for Inborn genetic diseases. Last evaluated: 2025-02-18. Review status: criteria provided, single submitter. Criteria: Ambry Variant Classification Scheme 2023. Collection method: clinical testing. Allele origin: germline.
Comment: The p.S204R variant (also known as c.612C>A), located in coding exon 5 of the ELANE gene, results from a C to A substitution at nucleotide position 612. The serine at codon 204 is replaced by arginine, an amino acid with dissimilar properties. This amino acid position is conserved. In addition, the in silico prediction for this alteration is inconclusive. Based on the available evidence, the clinical significance of this variant remains unclear.

PreventionGenetics, part of Exact Sciences
Classification: Uncertain significance for ELANE-related condition. Last evaluated: 2023-07-07. Review status: criteria provided, single submitter. Criteria: ACMG Guidelines, 2015. Collection method: clinical testing. Allele origin: germline.
Comment: The ELANE c.612C>A variant is predicted to result in the amino acid substitution p.Ser204Arg. To our knowledge, this variant has not been reported in the literature. This variant is reported in 0.00089% of alleles in individuals of European (Non-Finnish) descent in gnomAD. At this time, the clinical significance of this variant is uncertain due to the absence of conclusive functional and genetic evidence.